The following is an entry in ClinVar:

ClinVar aggregate classification (germline): Uncertain significance (1 of 4 stars; one submission).

Submission:

Labcorp Genetics (formerly Invitae), Labcorp
Classification: Uncertain significance. Last evaluated: 2025-03-13. Review status: criteria provided, single submitter. Criteria: Invitae Variant Classification Sherloc (09022015). Collection method: clinical testing. Allele origin: germline.
Comment: This sequence change replaces glutamine, which is neutral and polar, with arginine, which is basic and polar, at codon 757 of the REST protein (p.Gln757Arg). This variant is present in population databases (no rsID available, gnomAD 0.0009%). This variant has not been reported in the literature in individuals affected with REST-related conditions. An algorithm developed to predict the effect of missense changes on protein structure and function (PolyPhen-2) suggests that this variant is likely to be tolerated. In summary, the available evidence is currently insufficient to determine the role of this variant in disease. Therefore, it has been classified as a Variant of Uncertain Significance.

NM_005612.5(REST):c.2270A>G (p.Gln757Arg)

Gene: REST (RE1 silencing transcription factor; plus strand). Cytogenetic location: 4q12.
Variant type: single nucleotide variant.
Coding change: c.2270A>G on transcript NM_005612.5 (MANE Select); coding-DNA position 2270, A replaced by G.
Protein change: p.Gln757Arg; replaces glutamine 757 with arginine.
Molecular consequence: missense variant.
Genome position (GRCh38, 1-based): chr4:56,931,128, A>G. VCF-style: chr4-56931128-A-G. GRCh37 (hg19) VCF-style: chr4-57797294-A-G.
Other names: c.2270A>G, p.Gln757Arg (NM_001193508.2, NM_001363453.3); short protein forms Q757R.
Identifiers: ClinVar variation 3709382 (VCV003709382.2).